The following is an entry in ClinVar:

ClinVar aggregate classification (germline): Uncertain significance (1 of 4 stars; one submission).

Conditions:
FG syndrome (FGS). Identifiers: MedGen C0220769, MONDO:0002010.

Submission:

Labcorp Genetics (formerly Invitae), Labcorp
Classification: Uncertain significance for FG syndrome. Last evaluated: 2024-12-12. Review status: criteria provided, single submitter. Criteria: Invitae Variant Classification Sherloc (09022015). Collection method: clinical testing. Allele origin: germline.
Comment: This sequence change replaces aspartic acid, which is acidic and polar, with valine, which is neutral and non-polar, at codon 1067 of the MED12 protein (p.Asp1067Val). This variant is not present in population databases (gnomAD no frequency). This variant has not been reported in the literature in individuals affected with MED12-related conditions. Invitae Evidence Modeling of protein sequence and biophysical properties (such as structural, functional, and spatial information, amino acid conservation, physicochemical variation, residue mobility, and thermodynamic stability) indicates that this missense variant is expected to disrupt MED12 protein function with a positive predictive value of 95%. In summary, the available evidence is currently insufficient to determine the role of this variant in disease. Therefore, it has been classified as a Variant of Uncertain Significance.

NM_005120.3(MED12):c.3200A>T (p.Asp1067Val)

Gene: MED12 (mediator complex subunit 12; plus strand). Cytogenetic location: Xq13.1.
Variant type: single nucleotide variant.
Coding change: c.3200A>T on transcript NM_005120.3 (MANE Select); coding-DNA position 3200, A replaced by T.
Protein change: p.Asp1067Val; replaces aspartic acid 1067 with valine.
Molecular consequence: missense variant.
Genome position (GRCh38, 1-based): chrX:71,128,111, A>T. VCF-style: chrX-71128111-A-T. GRCh37 (hg19) VCF-style: chrX-70347961-A-T.
Other names: short protein forms D1067V.
Identifiers: ClinVar variation 3634957 (VCV003634957.2).